The following is an entry in ClinVar:

NM_000235.4(LIPA):c.412G>T (p.Glu138Ter)

Gene: LIPA (lipase A, lysosomal acid type; minus strand). Cytogenetic location: 10q23.31.
Variant type: single nucleotide variant.
Coding change: c.412G>T on transcript NM_000235.4 (MANE Select); coding-DNA position 412, G replaced by T.
Protein change: p.Glu138Ter; replaces glutamic acid 138 with a stop codon.
Molecular consequence: nonsense.
Genome position (GRCh38, 1-based): chr10:89,228,216, C>A on the plus strand (G>T on the coding strand, the complement: LIPA is on the minus strand). VCF-style: chr10-89228216-C-A. GRCh37 (hg19) VCF-style: chr10-90987973-C-A.
Other names: c.412G>T, p.Glu138Ter (NM_001127605.3); c.64G>T, p.Glu22Ter (NM_001288979.2); short protein forms E138*, E22*.
Identifiers: ClinVar variation 1323237 (VCV001323237.6), dbSNP rs1226852302, ClinGen allele CA377517760.

ClinVar aggregate classification (germline): Pathogenic. Review status: criteria provided, multiple submitters, no conflicts (2 of 4 stars). 2 submissions from 2 submitters: Pathogenic (2). Last evaluated 2024-05-08.

Conditions:
Lysosomal acid lipase deficiency. Also called: Acid cholesteryl ester hydrolase deficiency, type 2. Identifiers: Orphanet 275761, MedGen C5574740, MONDO:0800449, MONDO:0010204.

gnomAD v4.1: 1 of 1,613,910 alleles (0.000062%); highest among the groups gnomAD compares: Non-Finnish European, 0.000085%; no homozygotes.

Submissions (2):

Myriad Genetics, Inc.
Classification: Pathogenic for Lysosomal acid lipase deficiency. Last evaluated: 2024-05-08. Review status: criteria provided, single submitter. Criteria: Myriad Autosomal Dominant, Autosomal Recessive and X-Linked Classification Criteria (2023). Collection method: clinical testing. Allele origin: unknown.
Comment: NM_000235.2(LIPA):c.412G>T(E138*) is expected to be pathogenic in the context of lysosomal acid lipase deficiency. This variant is predicted to lead to an abnormal or absent protein product due to the creation of a premature termination codon in LIPA, a gene where loss-of-function variants are known to be pathogenic. Please note: this variant was assessed in the context of healthy population screening.

Revvity Omics, Revvity
Classification: Pathogenic. Last evaluated: 2020-06-10. Review status: criteria provided, single submitter. Criteria: ACMG Guidelines, 2015. Collection method: clinical testing. Allele origin: germline.